The following is an entry in ClinVar:

NM_016169.4(SUFU):c.893G>C (p.Arg298Pro)

Gene: SUFU (SUFU negative regulator of hedgehog signaling; plus strand). Cytogenetic location: 10q24.32.
Variant type: single nucleotide variant.
Coding change: c.893G>C on transcript NM_016169.4 (MANE Select); coding-DNA position 893, G replaced by C.
Protein change: p.Arg298Pro; replaces arginine 298 with proline.
Molecular consequence: missense variant.
Genome position (GRCh38, 1-based): chr10:102,597,276, G>C. VCF-style: chr10-102597276-G-C. GRCh37 (hg19) VCF-style: chr10-104357033-G-C.
Other names: c.893G>C, p.Arg298Pro (NM_001178133.2); short protein forms R298P.
Identifiers: ClinVar variation 3756752 (VCV003756752.2).

ClinVar aggregate classification (germline): Uncertain significance (1 of 4 stars; one submission).

Conditions:
Gorlin syndrome. Also called: Nevoid Basal Cell Carcinoma Syndrome; Basal cell nevus syndrome. Identifiers: Orphanet 377, MedGen C0004779, MONDO:0007187.
Medulloblastoma (MDB). Also called: Medulloblastoma, somatic; MEDULLOBLASTOMA PREDISPOSITION SYNDROME. Identifiers: Orphanet 616, MedGen C0025149, MeSH D008527, MONDO:0007959, OMIM 155255, HP:0002885.

Submission:

Labcorp Genetics (formerly Invitae), Labcorp
Classification: Uncertain significance for Gorlin syndrome; Medulloblastoma. Last evaluated: 2024-06-10. Review status: criteria provided, single submitter. Criteria: Invitae Variant Classification Sherloc (09022015). Collection method: clinical testing. Allele origin: germline.
Comment: This sequence change replaces arginine, which is basic and polar, with proline, which is neutral and non-polar, at codon 298 of the SUFU protein (p.Arg298Pro). This variant is not present in population databases (gnomAD no frequency). This variant has not been reported in the literature in individuals affected with SUFU-related conditions. Advanced modeling of protein sequence and biophysical properties (such as structural, functional, and spatial information, amino acid conservation, physicochemical variation, residue mobility, and thermodynamic stability) performed at Invitae indicates that this missense variant is not expected to disrupt SUFU protein function with a negative predictive value of 80%. In summary, the available evidence is currently insufficient to determine the role of this variant in disease. Therefore, it has been classified as a Variant of Uncertain Significance.